The following is an entry in ClinVar:

ClinVar aggregate classification (germline): Likely pathogenic (1 of 4 stars; one submission).

Conditions:
Merosin deficient congenital muscular dystrophy (MDC1A). Also called: Congenital Muscular Dystrophy Type 1A (MDC1A); Congenital merosin-deficient muscular dystrophy 1A. Identifiers: Orphanet 258, MedGen C1263858, MONDO:0011925, OMIM 607855.

Submission:

Laboratorio De Medicina Genomica, Universidad Icesi
Classification: Likely pathogenic for Merosin deficient congenital muscular dystrophy. Last evaluated: 2023-05-31. Review status: criteria provided, single submitter. Criteria: ACMG Guidelines, 2015. Collection method: clinical testing. Allele origin: paternal. Inheritance: Autosomal recessive inheritance. Affected: yes. Observed: 1 compound heterozygote.
Comment: This genetic variant alters the reading frame by duplicating a fragment of 17 base pairs, specifically in the isoleucine residue 3082, causing a stop codon 3 amino acids later (p.Ile3082Leufs*3) in the LAMA2 gene. While the frameshift variant confirmed in this patient is not anticipated to result in nonsense mediated decay, it is expected to lack the last 39 residues of the LAMA2 protein. The most frequently reported pathogenic genotypes in the LAMA2 gene are variants that create a premature termination codon, despite the location throughout the gene, such as the present variant. This variant is not reported in population databases such as gnomAD, 1000 genomes and HGMD. Other variants that disrupt this protein region have been observed in individuals with LAMA2-related conditions (PMID: 20207543 and PMID: 11591858). This suggests that this may be a clinically significant region of the protein. In summary, the currently available evidence indicates that the variant is pathogenic, but additional data are needed to prove that conclusively. Therefore, this variant has been classified as Likely Pathogenic.

NM_000426.4(LAMA2):c.9227_9243dup (p.Ile3082delinsLeuAlaTer)

Gene: LAMA2 (laminin subunit alpha 2; plus strand). Cytogenetic location: 6q22.33.
Variant type: Duplication.
Coding change: c.9227_9243dup on transcript NM_000426.4 (MANE Select); coding-DNA positions 9227 to 9243, 17 bases duplicated (TTGGCCTAACAACCAGT).
Protein change: p.Ile3082delinsLeuAlaTer.
Molecular consequence: nonsense.
Genome position (GRCh38, 1-based): chr6:129,516,205-129,516,221, TTGGCCTAACAACCAGT duplicated; duplicating any 17 consecutive bases within chr6:129,516,201-129,516,221 gives the same sequence; the c. name uses the placement nearest the transcript's 3' end. VCF-style (leftmost placement, unchanged base first): chr6-129516200-G-GCAGTTTGGCCTAACAAC. GRCh37 (hg19) VCF-style: chr6-129837345-G-GCAGTTTGGCCTAACAAC.
Other names: c.9215_9231dup, p.Ile3078delinsLeuAlaTer (NM_001079823.2).
Identifiers: ClinVar variation 2504076 (VCV002504076.2), dbSNP rs2533608532, ClinGen allele CA2580615769.